The following is an entry in ClinVar:

NM_001843.4(CNTN1):c.2041G>A (p.Val681Met)

Gene: CNTN1 (contactin 1; plus strand). Cytogenetic location: 12q12.
Variant type: single nucleotide variant.
Coding change: c.2041G>A on transcript NM_001843.4 (MANE Select); coding-DNA position 2041, G replaced by A.
Protein change: p.Val681Met; replaces valine 681 with methionine.
Molecular consequence: missense variant.
Genome position (GRCh38, 1-based): chr12:40,993,197, G>A. VCF-style: chr12-40993197-G-A. GRCh37 (hg19) VCF-style: chr12-41386999-G-A.
Other names: c.2008G>A, p.Val670Met (NM_175038.2); short protein forms V670M, V681M.
Identifiers: ClinVar variation 854255 (VCV000854255.6), dbSNP rs760051219, ClinGen allele CA6517033.
Genomic context (GRCh38, chr12:40,993,197, plus strand): 5'-GGAAATATGGAGGCAGCAAGAGCAGTGGACTTAATCCCATGGATGGAGTATGAATTCCGC[G>A]TGGTAGCAACCAATACACTGGGTAGAGGAGAGCCCAGTATACCATCTAACAGAATTAAAA-3'
Protein context (NP_001834.2, residues 671-691): LIPWMEYEFR[Val681Met]VATNTLGRGE

ClinVar aggregate classification (germline): Uncertain significance (1 of 4 stars; one submission).

Conditions:
Compton-North congenital myopathy (CMYO12). Identifiers: Orphanet 210163, MedGen C2675527, MONDO:0012929, OMIM 612540.

Allele frequency attached by ClinVar (database versions not stated): gnomAD 0.00001; ExAC 0.00002; gnomAD exomes 0.00002 and 0.00003; TOPMed 0.00002.
gnomAD v4.1: 32 of 1,613,754 alleles (0.002%); highest among the groups gnomAD compares: Middle Eastern, 0.082%; no homozygotes.

Submission:

Labcorp Genetics (formerly Invitae), Labcorp
Classification: Uncertain significance for Compton-North congenital myopathy. Last evaluated: 2022-07-06. Review status: criteria provided, single submitter. Criteria: Invitae Variant Classification Sherloc (09022015). Collection method: clinical testing. Allele origin: germline.
Comment: This variant is present in population databases (rs760051219, gnomAD 0.01%). In summary, the available evidence is currently insufficient to determine the role of this variant in disease. Therefore, it has been classified as a Variant of Uncertain Significance. Algorithms developed to predict the effect of missense changes on protein structure and function are either unavailable or do not agree on the potential impact of this missense change (SIFT: "Deleterious"; PolyPhen-2: "Probably Damaging"; Align-GVGD: "Class C0"). ClinVar contains an entry for this variant (Variation ID: 854255). This variant has not been reported in the literature in individuals affected with CNTN1-related conditions. This sequence change replaces valine, which is neutral and non-polar, with methionine, which is neutral and non-polar, at codon 681 of the CNTN1 protein (p.Val681Met).